The following is an entry in ClinVar:

ClinVar aggregate classification (germline): Benign/Likely benign. Review status: criteria provided, multiple submitters, no conflicts (2 of 4 stars). 6 submissions from 6 submitters: Benign (1); Likely benign (4). 1 of the submissions does not count toward it. Last evaluated 2026-01-16.

Conditions:
Cardiovascular phenotype. Identifiers: MedGen CN230736.
Familial hyperaldosteronism type III. Also called: FH III; Familial hyperaldosteronism type 3. Identifiers: Orphanet 251274, MedGen C3838758, MONDO:0013359, OMIM 613677.
Long QT syndrome (LQTS). Identifiers: MedGen C0023976, MeSH D008133, MONDO:0002442. Disease mechanism: loss of function. Inheritance: Various modes of inheritance.
KCNJ5-related disorder. Also called: KCNJ5-related condition.

Allele frequency attached by ClinVar (database versions not stated): ExAC 0.00008; gnomAD 0.00009; gnomAD exomes 0.00010 and 0.00007; TOPMed 0.00012.
gnomAD v4.1: 127 of 1,613,818 alleles (0.0079%); highest among the groups gnomAD compares: Middle Eastern, 0.15%; no homozygotes.

Submissions (6):

Labcorp Genetics (formerly Invitae), Labcorp
Classification: Likely benign for Long QT syndrome. Last evaluated: 2026-01-16. Review status: criteria provided, single submitter. Criteria: Invitae Variant Classification Sherloc (09022015). Collection method: clinical testing. Allele origin: germline.

Blueprint Genetics
Classification: Likely benign. Last evaluated: 2024-10-11. Review status: criteria provided, single submitter. Criteria: ACMG Guidelines, 2015. Collection method: clinical testing. Allele origin: germline.

Ambry Genetics
Classification: Likely benign for Cardiovascular phenotype. Last evaluated: 2020-11-25. Review status: criteria provided, single submitter. Criteria: Ambry Variant Classification Scheme 2023. Collection method: clinical testing. Allele origin: germline.

GeneDx
Classification: Likely benign. Last evaluated: 2019-08-02. Review status: criteria provided, single submitter. Criteria: GeneDx Variant Classification Process June 2021. Collection method: clinical testing. Allele origin: germline. Affected: yes.

Illumina Laboratory Services, Illumina
Classification: Benign for Familial hyperaldosteronism type III. Last evaluated: 2018-01-12. Review status: criteria provided, single submitter. Criteria: ICSL Variant Classification Criteria 13 December 2019. Collection method: clinical testing. Allele origin: germline.
Comment: This variant was observed in the ICSL laboratory as part of a predisposition screen in an ostensibly healthy population. It had not been previously curated by ICSL or reported in the Human Gene Mutation Database (HGMD: prior to June 1st, 2018), and was therefore a candidate for classification through an automated scoring system. Utilizing variant allele frequency, disease prevalence and penetrance estimates, and inheritance mode, an automated score was calculated to assess if this variant is too frequent to cause the disease. Based on the score and internal cut-off values, a variant classified as benign is not then subjected to further curation. The score for this variant resulted in a classification of benign for this disease.

PreventionGenetics, part of Exact Sciences
Classification: Likely benign for KCNJ5-related condition. Last evaluated: 2020-09-29. Review status: no assertion criteria provided. Collection method: clinical testing. Allele origin: germline. Not counted in ClinVar's aggregate classification.
Comment: This variant is classified as likely benign based on ACMG/AMP sequence variant interpretation guidelines (Richards et al. 2015 PMID: 25741868, with internal and published modifications).

NM_000890.5(KCNJ5):c.792C>T (p.Gly264=)

Gene: KCNJ5 (potassium inwardly rectifying channel subfamily J member 5; plus strand). Cytogenetic location: 11q24.3.
Variant type: single nucleotide variant.
Coding change: c.792C>T on transcript NM_000890.5 (MANE Select); coding-DNA position 792, C replaced by T.
Protein change: p.Gly264=; no amino-acid change (glycine 264 retained).
Molecular consequence: synonymous variant.
Genome position (GRCh38, 1-based): chr11:128,912,065, C>T. VCF-style: chr11-128912065-C-T. GRCh37 (hg19) VCF-style: chr11-128781960-C-T.
Other names: c.792C>T, p.Gly264= (NM_001354169.2).
Identifiers: ClinVar variation 696054 (VCV000696054.21), dbSNP rs750600982, ClinGen allele CA6357940.